The following is an entry in ClinVar:

ClinVar aggregate classification (germline): Uncertain significance. Review status: criteria provided, multiple submitters, no conflicts (2 of 4 stars). 4 submissions from 4 submitters: Uncertain significance (4). Last evaluated 2026-08-10.

Allele frequency attached by ClinVar (database versions not stated): ESP Exome Variant Server 0.00031; ExAC 0.00020.

Submissions (4):

GeneDx
Classification: Uncertain significance. Last evaluated: 2026-08-10. Review status: criteria provided, single submitter. Criteria: GeneDx Variant Classification Process June 2021. Collection method: clinical testing. Allele origin: germline.
Comment: In silico analysis suggests that this missense variant does not alter protein structure/function; Has not been previously published as pathogenic or benign to our knowledge

Women's Health and Genetics/Laboratory Corporation of America, LabCorp
Classification: Uncertain significance. Last evaluated: 2026-05-21. Review status: criteria provided, single submitter. Criteria: LabCorp Variant Classification Summary - May 2015. Collection method: clinical testing. Allele origin: germline.
Comment: Variant summary: AEBP1 c.3044A>T (p.Gln1015Leu) results in a non-conservative amino acid change in the encoded protein sequence. Algorithms developed to predict the effect of missense changes on protein structure and function all suggest that this variant is likely to be disruptive. The variant allele was found at a frequency of 0.00018 in 250900 control chromosomes. This frequency is not significantly higher than estimated for disease-causing variants in AEBP1, allowing no conclusion about variant significance. c.3044A>T has been reported in the literature in at least an individual affected with Congenital diaphragmatic hernia (example: Yu_2013). The report does not provide unequivocal conclusions about association of the variant with disease. To our knowledge, no experimental evidence demonstrating an impact on protein function has been reported. The following publication has been ascertained in the context of this evaluation (PMID: 23138528). ClinVar contains an entry for this variant (Variation ID: 2020059). Based on the evidence outlined above, the variant was classified as uncertain significance.

Mayo Clinic Laboratories, Mayo Clinic
Classification: Uncertain significance. Last evaluated: 2023-09-12. Review status: criteria provided, single submitter. Criteria: ACMG Guidelines, 2015. Collection method: clinical testing. Allele origin: germline. Observed: 1 variant allele.
Comment: BP1

Labcorp Genetics (formerly Invitae), Labcorp
Classification: Uncertain significance. Last evaluated: 2022-06-13. Review status: criteria provided, single submitter. Criteria: Invitae Variant Classification Sherloc (09022015). Collection method: clinical testing. Allele origin: germline.
Comment: This sequence change replaces glutamine, which is neutral and polar, with leucine, which is neutral and non-polar, at codon 1015 of the AEBP1 protein (p.Gln1015Leu). This variant is present in population databases (rs200791707, gnomAD 0.04%). This variant has not been reported in the literature in individuals affected with AEBP1-related conditions. Algorithms developed to predict the effect of missense changes on protein structure and function are either unavailable or do not agree on the potential impact of this missense change (SIFT: "Deleterious"; PolyPhen-2: "Benign"; Align-GVGD: "Class C0"). Algorithms developed to predict the effect of sequence changes on RNA splicing suggest that this variant may disrupt the consensus splice site. In summary, the available evidence is currently insufficient to determine the role of this variant in disease. Therefore, it has been classified as a Variant of Uncertain Significance.

Literature cited by the submitters: PubMed 23138528 (cited by Women's Health and Genetics/Laboratory Corporation of America, LabCorp).

NM_001129.5(AEBP1):c.3044A>T (p.Gln1015Leu)

Gene: AEBP1 (AE binding protein 1; plus strand). Cytogenetic location: 7p13.
Variant type: single nucleotide variant.
Coding change: c.3044A>T on transcript NM_001129.5 (MANE Select); coding-DNA position 3044, A replaced by T.
Protein change: p.Gln1015Leu; replaces glutamine 1015 with leucine.
Molecular consequence: missense variant.
Genome position (GRCh38, 1-based): chr7:44,113,828, A>T. VCF-style: chr7-44113828-A-T. GRCh37 (hg19) VCF-style: chr7-44153427-A-T.
Other names: p.Gln1015Leu; c.3044A>T (NM_001129.4); short protein forms Q1015L.
Identifiers: ClinVar variation 2020059 (VCV002020059.7), dbSNP rs200791707, ClinGen allele CA4238390.